The following is an entry in ClinVar:

ClinVar aggregate classification (germline): Uncertain significance (1 of 4 stars; one submission).

Conditions:
Hereditary cancer-predisposing syndrome. Also called: Hereditary Cancer Syndrome; Hereditary neoplastic syndrome; Neoplastic Syndromes, Hereditary; Tumor predisposition. Identifiers: Orphanet 140162, MedGen C0027672, MeSH D009386, MONDO:0015356.

Submission:

Ambry Genetics
Classification: Uncertain significance for Hereditary cancer-predisposing syndrome. Last evaluated: 2022-06-20. Review status: criteria provided, single submitter. Criteria: Ambry Variant Classification Scheme 2023. Collection method: clinical testing. Allele origin: germline.
Comment: The p.S1496L variant (also known as c.4487C>T), located in coding exon 13 of the BRCA1 gene, results from a C to T substitution at nucleotide position 4487. The serine at codon 1496 is replaced by leucine, an amino acid with dissimilar properties. This amino acid position is conserved. In addition, the in silico prediction for this alteration is inconclusive. Since supporting evidence is limited at this time, the clinical significance of this alteration remains unclear.

NM_007294.4(BRCA1):c.4487C>T (p.Ser1496Leu)

Gene: BRCA1 (BRCA1 DNA repair associated; minus strand). Cytogenetic location: 17q21.31.
Variant type: single nucleotide variant.
Coding change: c.4487C>T on transcript NM_007294.4 (MANE Select); coding-DNA position 4487, C replaced by T.
Protein change: p.Ser1496Leu; replaces serine 1496 with leucine.
Molecular consequence: missense variant. On other transcripts: non-coding transcript variant (1).
Genome position (GRCh38, 1-based): chr17:43,074,519, G>A on the plus strand (C>T on the coding strand, the complement: BRCA1 is on the minus strand). VCF-style: chr17-43074519-G-A. GRCh37 (hg19) VCF-style: chr17-41226536-G-A.
Other names: c.4343C>T, p.Ser1448Leu (NM_001407747.1, NM_001407748.1, NM_001407749.1 and 21 more transcripts); c.4340C>T, p.Ser1447Leu (NM_001407838.1, NM_001407839.1, NM_001407841.1 and 12 more transcripts); c.4487C>T, p.Ser1496Leu (NM_001407854.1, NM_001407593.1, NM_001407594.1 and 8 more transcripts); c.4484C>T, p.Ser1495Leu (NM_001407858.1, NM_001407859.1, NM_001407860.1 and 17 more transcripts); c.4481C>T, p.Ser1494Leu (NM_001407861.1, NM_001407627.1, NM_001407628.1 and 14 more transcripts); c.4286C>T, p.Ser1429Leu (NM_001407862.1); c.4361C>T, p.Ser1454Leu (NM_001407863.1, NM_001407939.1, NM_001407940.1 and 11 more transcripts); c.4280C>T, p.Ser1427Leu (NM_001407874.1, NM_001407875.1); and 68 more; short protein forms S1200L, S1367L, S1385L, S1407L, S1426L, S1455L, S1468L, S1469L.
Identifiers: ClinVar variation 1740931 (VCV001740931.2), dbSNP rs80356953, ClinGen allele CA10592553.